The following is an entry in ClinVar:

NM_032444.4(SLX4):c.4384G>A (p.Ala1462Thr)

Gene: SLX4 (SLX4 structure-specific endonuclease subunit; minus strand). Cytogenetic location: 16p13.3.
Variant type: single nucleotide variant.
Coding change: c.4384G>A on transcript NM_032444.4 (MANE Select); coding-DNA position 4384, G replaced by A.
Protein change: p.Ala1462Thr; replaces alanine 1462 with threonine.
Molecular consequence: missense variant.
Genome position (GRCh38, 1-based): chr16:3,589,254, C>T on the plus strand (G>A on the coding strand, the complement: SLX4 is on the minus strand). VCF-style: chr16-3589254-C-T. GRCh37 (hg19) VCF-style: chr16-3639255-C-T.
Other names: short protein forms A1462T.
Identifiers: ClinVar variation 1692015 (VCV001692015.1), dbSNP rs138484365, ClinGen allele CA7865665.

ClinVar aggregate classification (germline): Uncertain significance (1 of 4 stars; one submission).

Conditions:
Fanconi anemia (FA). Also called: Fanconi's anemia. Identifiers: Orphanet 84, MedGen C0015625, MeSH D005199, MONDO:0019391.

gnomAD v4.1: 12 of 1,604,038 alleles (0.00075%); highest among the groups gnomAD compares: Non-Finnish European, 0.00094%; no homozygotes.

Submission:

Sema4
Classification: Uncertain significance for Fanconi anemia. Last evaluated: 2022-03-13. Review status: criteria provided, single submitter. Criteria: Sema4 Curation Guidelines. Collection method: curation. Allele origin: germline.
Comment: The SLX4 c.4384G>A (p.A1462T) variant has not been reported in the literature to our knowledge. This variant was observed in 1/18250 chromosomes in the East Asian population according to the Genome Aggregation Database (PMID: 32461654). The variant has not been reported in ClinVar. In silico tools suggest the impact of the variant on protein function is benign, though these predictions have not been confirmed by functional studies. The evidence is insufficient to meet ACMG/AMP criteria for classifying the variant as benign or pathogenic. Thus, the clinical significance of this variant is currently uncertain.